The following is an entry in ClinVar:

NM_021930.6(RINT1):c.1634A>T (p.Tyr545Phe)

Gene: RINT1 (RAD50 interactor 1; plus strand). Cytogenetic location: 7q22.3.
Variant type: single nucleotide variant.
Coding change: c.1634A>T on transcript NM_021930.6 (MANE Select); coding-DNA position 1634, A replaced by T.
Protein change: p.Tyr545Phe; replaces tyrosine 545 with phenylalanine.
Molecular consequence: missense variant.
Genome position (GRCh38, 1-based): chr7:105,555,190, A>T. VCF-style: chr7-105555190-A-T. GRCh37 (hg19) VCF-style: chr7-105195637-A-T.
Other names: c.1400A>T, p.Tyr467Phe (NM_001346599.2); c.611A>T, p.Tyr204Phe (NM_001346600.2, NM_001346603.2); c.710A>T, p.Tyr237Phe (NM_001346601.2); short protein forms Y204F, Y237F, Y467F, Y545F.
Identifiers: ClinVar variation 1003208 (VCV001003208.12), dbSNP rs973997596, ClinGen allele CA164060460.

ClinVar aggregate classification (germline): Uncertain significance. Review status: criteria provided, multiple submitters, no conflicts (2 of 4 stars). 2 submissions from 2 submitters: Uncertain significance (2). Last evaluated 2025-10-14.

gnomAD v4.1: 12 of 1,614,066 alleles (0.00074%); highest among the groups gnomAD compares: Non-Finnish European, 0.001%; no homozygotes.

Submissions (2):

Ambry Genetics
Classification: Uncertain significance. Last evaluated: 2025-10-14. Review status: criteria provided, single submitter. Criteria: Ambry Variant Classification Scheme 2023. Collection method: clinical testing. Allele origin: germline.
Comment: The p.Y545F variant (also known as c.1634A>T), located in coding exon 11 of the RINT1 gene, results from an A to T substitution at nucleotide position 1634. The tyrosine at codon 545 is replaced by phenylalanine, an amino acid with highly similar properties. This amino acid position is highly conserved in available vertebrate species. In addition, this alteration is predicted to be tolerated by in silico analysis. Since supporting evidence is limited at this time, the clinical significance of this alteration remains unclear.

Labcorp Genetics (formerly Invitae), Labcorp
Classification: Uncertain significance. Last evaluated: 2022-04-20. Review status: criteria provided, single submitter. Criteria: Invitae Variant Classification Sherloc (09022015). Collection method: clinical testing. Allele origin: germline.
Comment: This sequence change replaces tyrosine, which is neutral and polar, with phenylalanine, which is neutral and non-polar, at codon 545 of the RINT1 protein (p.Tyr545Phe). This variant is not present in population databases (gnomAD no frequency). This variant has not been reported in the literature in individuals affected with RINT1-related conditions. ClinVar contains an entry for this variant (Variation ID: 1003208). Algorithms developed to predict the effect of missense changes on protein structure and function are either unavailable or do not agree on the potential impact of this missense change (SIFT: "Deleterious"; PolyPhen-2: "Probably Damaging"; Align-GVGD: "Class C0"). In summary, the available evidence is currently insufficient to determine the role of this variant in disease. Therefore, it has been classified as a Variant of Uncertain Significance.